The following is an entry in ClinVar:

NM_152743.4(BRAT1):c.179C>G (p.Ser60Cys)

Gene: BRAT1 (BRCA1 associated ATM activator 1; minus strand). Cytogenetic location: 7p22.3.
Variant type: single nucleotide variant.
Coding change: c.179C>G on transcript NM_152743.4 (MANE Select); coding-DNA position 179, C replaced by G.
Protein change: p.Ser60Cys; replaces serine 60 with cysteine.
Molecular consequence: missense variant. On other transcripts: 5 prime UTR variant (1), non-coding transcript variant (1).
Genome position (GRCh38, 1-based): chr7:2,547,427, G>C on the plus strand (C>G on the coding strand, the complement: BRAT1 is on the minus strand). VCF-style: chr7-2547427-G-C. GRCh37 (hg19) VCF-style: chr7-2587061-G-C.
Other names: c.179C>G, p.Ser60Cys (NM_001350626.2); c.-199C>G (NM_001350627.2); short protein forms S60C.
Identifiers: ClinVar variation 1042762 (VCV001042762.8), dbSNP rs373847223, ClinGen allele CA152676494.

ClinVar aggregate classification (germline): Uncertain significance (1 of 4 stars; one submission).

Conditions:
Neonatal-onset encephalopathy with rigidity and seizures. Also called: Lethal neonatal spasticity-epileptic encephalopathy syndrome. Identifiers: Orphanet 435845, MedGen C3281029, MONDO:0013784, OMIM 614498.

Allele frequency attached by ClinVar (database versions not stated): TOPMed 0.00002; ESP Exome Variant Server 0.00008.
gnomAD v4.1: 4 of 1,613,990 alleles (0.00025%); highest among the groups gnomAD compares: African/African-American, 0.004%; no homozygotes.

Submission:

Labcorp Genetics (formerly Invitae), Labcorp
Classification: Uncertain significance for Neonatal-onset encephalopathy with rigidity and seizures. Last evaluated: 2022-04-20. Review status: criteria provided, single submitter. Criteria: Invitae Variant Classification Sherloc (09022015). Collection method: clinical testing. Allele origin: germline.
Comment: In summary, the available evidence is currently insufficient to determine the role of this variant in disease. Therefore, it has been classified as a Variant of Uncertain Significance. Algorithms developed to predict the effect of missense changes on protein structure and function output the following: SIFT: "Tolerated"; PolyPhen-2: "Benign"; Align-GVGD: "Class C0". The cysteine amino acid residue is found in multiple mammalian species, which suggests that this missense change does not adversely affect protein function. ClinVar contains an entry for this variant (Variation ID: 1042762). This variant has not been reported in the literature in individuals affected with BRAT1-related conditions. This variant is present in population databases (rs373847223, gnomAD 0.01%). This sequence change replaces serine, which is neutral and polar, with cysteine, which is neutral and slightly polar, at codon 60 of the BRAT1 protein (p.Ser60Cys).